The following is an entry in ClinVar:

NM_001042492.3(NF1):c.1730T>G (p.Met577Arg)

Gene: NF1 (neurofibromin 1; plus strand). Cytogenetic location: 17q11.2.
Variant type: single nucleotide variant.
Coding change: c.1730T>G on transcript NM_001042492.3 (MANE Select); coding-DNA position 1730, T replaced by G.
Protein change: p.Met577Arg; replaces methionine 577 with arginine.
Molecular consequence: missense variant.
Genome position (GRCh38, 1-based): chr17:31,223,452, T>G. VCF-style: chr17-31223452-T-G. GRCh37 (hg19) VCF-style: chr17-29550470-T-G.
Other names: c.1730T>G, p.Met577Arg (NM_000267.4); short protein forms M577R.
Identifiers: ClinVar variation 2701406 (VCV002701406.3), dbSNP rs2144015630, ClinGen allele CA399003988.

ClinVar aggregate classification (germline): Pathogenic (1 of 4 stars; one submission).

Conditions:
Neurofibromatosis, type 1 (NF1). Also called: Peripheral type neurofibromatosis; VON RECKLINGHAUSEN DISEASE; Neurofibromatosis, type I; NEUROFIBROMATOSIS, TYPE I, SOMATIC. Identifiers: Orphanet 636, MedGen C0027831, MONDO:0018975, OMIM 162200. Disease mechanism: loss of function.

Submission:

Labcorp Genetics (formerly Invitae), Labcorp
Classification: Pathogenic for Neurofibromatosis, type 1. Last evaluated: 2024-06-24. Review status: criteria provided, single submitter. Criteria: Invitae Variant Classification Sherloc (09022015). Collection method: clinical testing. Allele origin: germline.
Comment: This sequence change replaces methionine, which is neutral and non-polar, with arginine, which is basic and polar, at codon 577 of the NF1 protein (p.Met577Arg). This variant is not present in population databases (gnomAD no frequency). This missense change has been observed in individual(s) with clinical features of neurofibromatosis type 1 (Invitae). In at least one individual the variant was observed to be de novo. Advanced modeling of protein sequence and biophysical properties (such as structural, functional, and spatial information, amino acid conservation, physicochemical variation, residue mobility, and thermodynamic stability) has been performed at Invitae for this missense variant, however the output from this modeling did not meet the statistical confidence thresholds required to predict the impact of this variant on NF1 protein function. For these reasons, this variant has been classified as Pathogenic.